The following is an entry in ClinVar:

NM_001135022.2(ELMOD3):c.396C>T (p.Leu132=)

Gene: ELMOD3 (ELMO domain containing 3; plus strand). Cytogenetic location: 2p11.2.
Variant type: single nucleotide variant.
Coding change: c.396C>T on transcript NM_001135022.2 (MANE Select); coding-DNA position 396, C replaced by T.
Protein change: p.Leu132=; no amino-acid change (leucine 132 retained).
Molecular consequence: synonymous variant. On other transcripts: non-coding transcript variant (3).
Genome position (GRCh38, 1-based): chr2:85,371,121, C>T. VCF-style: chr2-85371121-C-T. GRCh37 (hg19) VCF-style: chr2-85598244-C-T.
Other names: c.396C>T, p.Leu132= (NM_001135021.2, NM_001135023.2, NM_001329791.2 and 2 more transcripts); c.396C>T (NM_001135021.1).
Identifiers: ClinVar variation 1575879 (VCV001575879.9), dbSNP rs112857214, ClinGen allele CA1740324.
Genomic context (GRCh38, chr2:85,371,121, plus strand): 5'-CCATTGCCTGCAACTTCTTCCCCAGAAAAGAATCCAGCCAACTATTCGAAGGACTGGGCT[C>T]GCCGCCCTCCGACACTACCTCTTCGGGCCTCCAAAGCTCCACCAGCGCCTTCGGGAAGAA-3'
Protein context (NP_001128494.1, residues 122-142): RIQPTIRRTG[Leu132=]AALRHYLFGP

ClinVar aggregate classification (germline): Likely benign. Review status: criteria provided, multiple submitters, no conflicts (2 of 4 stars). 2 submissions from 2 submitters: Likely benign (2). Last evaluated 2025-08-09.

Conditions:
ELMOD3-related disorder. Also called: ELMOD3-related condition.

Allele frequency attached by ClinVar (database versions not stated): ExAC 0.00003; gnomAD exomes 0.00003; ESP Exome Variant Server 0.00008; gnomAD 0.00011; 1000 Genomes Project 30x 0.00016; TOPMed 0.00017.
gnomAD v4.1: 76 of 1,614,216 alleles (0.0047%); highest among the groups gnomAD compares: African/African-American, 0.059%; no homozygotes.

Submissions (2):

Labcorp Genetics (formerly Invitae), Labcorp
Classification: Likely benign. Last evaluated: 2025-08-09. Review status: criteria provided, single submitter. Criteria: Invitae Variant Classification Sherloc (09022015). Collection method: clinical testing. Allele origin: germline.

PreventionGenetics, part of Exact Sciences
Classification: Likely benign for ELMOD3-related condition. Last evaluated: 2025-06-14. Review status: criteria provided, single submitter. Criteria: ACMG Guidelines, 2015. Collection method: clinical testing. Allele origin: germline.
Comment: This variant is classified as likely benign based on ACMG/AMP sequence variant interpretation guidelines (Richards et al. 2015 PMID: 25741868, with internal and published modifications).